The following is an entry in ClinVar:

ClinVar aggregate classification (germline): Pathogenic (1 of 4 stars; one submission).

Conditions:
Hereditary cancer-predisposing syndrome. Also called: Hereditary neoplastic syndrome; Neoplastic Syndromes, Hereditary; Tumor predisposition; Hereditary Cancer Syndrome. Identifiers: Orphanet 140162, MedGen C0027672, MeSH D009386, MONDO:0015356.

Submission:

Ambry Genetics
Classification: Pathogenic for Hereditary cancer-predisposing syndrome. Last evaluated: 2025-03-06. Review status: criteria provided, single submitter. Criteria: Ambry Variant Classification Scheme 2023. Collection method: clinical testing. Allele origin: germline.
Comment: The c.6034_6036delTCCinsG pathogenic mutation, located in coding exon 10 of the BRCA2 gene, results from the deletion of 3 nucleotides and insertion of one nucleotide causing a translational frameshift with a predicted alternate stop codon (p.S2012Efs*5). This variant is considered to be rare based on population cohorts in the Genome Aggregation Database (gnomAD). This alteration is expected to result in loss of function by premature protein truncation or nonsense-mediated mRNA decay. As such, this alteration is interpreted as a disease-causing mutation.

NM_000059.4(BRCA2):c.6034_6036delinsG (p.Ser2012fs)

Gene: BRCA2 (BRCA2 DNA repair associated; plus strand). Cytogenetic location: 13q13.1.
Variant type: Indel.
Coding change: c.6034_6036delinsG on transcript NM_000059.4 (MANE Select); coding-DNA positions 6034 to 6036, TCC replaced by G.
Protein change: p.Ser2012fs; shifts the reading frame from serine 2012.
Molecular consequence: frameshift variant. On other transcripts: non-coding transcript variant (1), intron variant (2).
Genome position (GRCh38, 1-based): chr13:32,340,389-32,340,391, TCC replaced by G. VCF-style: chr13-32340389-TCC-G. GRCh37 (hg19) VCF-style: chr13-32914526-TCC-G.
Other names: c.6034_6036delinsG, p.Ser2012fs (NM_001406719.1, NM_001406720.1, NM_001432077.1); c.1910-4169_1910-4167delinsG (NM_001406721.1); c.425-4169_425-4167delinsG (NM_001406722.1); short protein forms S2012fs.
Identifiers: ClinVar variation 3825462 (VCV003825462.1).